The following is an entry in ClinVar:

ClinVar aggregate classification (germline): Uncertain significance (1 of 4 stars; one submission).

Conditions:
Hereditary cancer-predisposing syndrome. Also called: Hereditary Cancer Syndrome; Hereditary neoplastic syndrome; Neoplastic Syndromes, Hereditary; Tumor predisposition. Identifiers: Orphanet 140162, MedGen C0027672, MeSH D009386, MONDO:0015356.

Submission:

Ambry Genetics
Classification: Uncertain significance for Hereditary cancer-predisposing syndrome. Last evaluated: 2020-03-10. Review status: criteria provided, single submitter. Criteria: Ambry Variant Classification Scheme 2023. Collection method: clinical testing. Allele origin: germline.
Comment: The p.I430V variant (also known as c.1288A>G), located in coding exon 9 of the PTCH1 gene, results from an A to G substitution at nucleotide position 1288. The isoleucine at codon 430 is replaced by valine, an amino acid with highly similar properties. This amino acid position is highly conserved in available vertebrate species. In addition, the in silico prediction for this alteration is inconclusive. Since supporting evidence is limited at this time, the clinical significance of this alteration remains unclear.

NM_000264.5(PTCH1):c.1288A>G (p.Ile430Val)

Gene: PTCH1 (patched 1; minus strand). Cytogenetic location: 9q22.32.
Variant type: single nucleotide variant.
Coding change: c.1288A>G on transcript NM_000264.5 (MANE Select); coding-DNA position 1288, A replaced by G.
Protein change: p.Ile430Val; replaces isoleucine 430 with valine.
Molecular consequence: missense variant. On other transcripts: non-coding transcript variant (1).
Genome position (GRCh38, 1-based): chr9:95,478,114, T>C on the plus strand (A>G on the coding strand, the complement: PTCH1 is on the minus strand). VCF-style: chr9-95478114-T-C. GRCh37 (hg19) VCF-style: chr9-98240396-T-C.
Other names: c.1090A>G, p.Ile364Val (NM_001083602.3); c.1285A>G, p.Ile429Val (NM_001083603.3); c.835A>G, p.Ile279Val (NM_001083604.3, NM_001083605.3, NM_001083606.3 and 1 more transcripts); c.1288A>G, p.Ile430Val (NM_001354918.2); short protein forms I429V, I364V, I430V, I279V.
Identifiers: ClinVar variation 1769011 (VCV001769011.2), dbSNP rs2118333720, ClinGen allele CA374118822.